The following is an entry in ClinVar:

ClinVar aggregate classification (germline): Uncertain significance (1 of 4 stars; one submission).

Conditions:
Cohen syndrome (COH1). Also called: Cutis verticis gyrata, retinitis pigmentosa, and sensorineural deafness; PEPPER SYNDROME. Identifiers: Orphanet 193, MedGen C0265223, MONDO:0008999, OMIM 216550.

Submission:

Labcorp Genetics (formerly Invitae), Labcorp
Classification: Uncertain significance for Cohen syndrome. Last evaluated: 2022-06-04. Review status: criteria provided, single submitter. Criteria: Invitae Variant Classification Sherloc (09022015). Collection method: clinical testing. Allele origin: germline.
Comment: Algorithms developed to predict the effect of missense changes on protein structure and function output the following: SIFT: "Not Available"; PolyPhen-2: "Possibly Damaging"; Align-GVGD: "Not Available". The valine amino acid residue is found in multiple mammalian species, which suggests that this missense change does not adversely affect protein function. ClinVar contains an entry for this variant (Variation ID: 1347262). This variant has not been reported in the literature in individuals affected with VPS13B-related conditions. This variant is not present in population databases (gnomAD no frequency). This sequence change replaces leucine, which is neutral and non-polar, with valine, which is neutral and non-polar, at codon 700 of the VPS13B protein (p.Leu700Val). In summary, the available evidence is currently insufficient to determine the role of this variant in disease. Therefore, it has been classified as a Variant of Uncertain Significance.

NM_152564.5(VPS13B):c.2098C>G (p.Leu700Val)

Gene: VPS13B (vacuolar protein sorting 13 homolog B; plus strand). Cytogenetic location: 8q22.2.
Variant type: single nucleotide variant.
Coding change: c.2098C>G on transcript NM_152564.5 (MANE Select); coding-DNA position 2098, C replaced by G.
Protein change: p.Leu700Val; replaces leucine 700 with valine.
Molecular consequence: missense variant.
Genome position (GRCh38, 1-based): chr8:99,156,633, C>G. VCF-style: chr8-99156633-C-G. GRCh37 (hg19) VCF-style: chr8-100168861-C-G.
Other names: c.2098C>G, p.Leu700Val (NM_015243.3, NM_017890.5); short protein forms L700V.
Identifiers: ClinVar variation 1347262 (VCV001347262.6), dbSNP rs2132624430, ClinGen allele CA371865020.
Genomic context (GRCh38, chr8:99,156,633, plus strand): 5'-ACAAACTTCCAGTCTCTTCGGCCTTTGCCATCCATTCGAATATTGGTGGATAAAATTAAT[C>G]TGGAACATTCAGTGCCAATGTATGCTGAACAGTTGGTGCATGTGGTCAGCAGCCTTACTC-3'
Protein context (NP_689777.3, residues 690-710): SIRILVDKIN[Leu700Val]EHSVPMYAEQ